The following is an entry in ClinVar:

NM_177438.3(DICER1):c.161C>T (p.Ala54Val)

Gene: DICER1 (dicer 1, ribonuclease III; minus strand). Cytogenetic location: 14q32.13.
Variant type: single nucleotide variant.
Coding change: c.161C>T on transcript NM_177438.3 (MANE Select); coding-DNA position 161, C replaced by T.
Protein change: p.Ala54Val; replaces alanine 54 with valine.
Molecular consequence: missense variant.
Genome position (GRCh38, 1-based): chr14:95,132,661, G>A on the plus strand (C>T on the coding strand, the complement: DICER1 is on the minus strand). VCF-style: chr14-95132661-G-A. GRCh37 (hg19) VCF-style: chr14-95598998-G-A.
Other names: c.161C>T, p.Ala54Val (NM_001195573.1, NM_001271282.3, NM_001291628.2 and 1 more transcripts); short protein forms A54V.
Identifiers: ClinVar variation 639947 (VCV000639947.11), dbSNP rs1595466689, ClinGen allele CA390890130.

ClinVar aggregate classification (germline): Uncertain significance. Review status: criteria provided, multiple submitters, no conflicts (2 of 4 stars). 2 submissions from 2 submitters: Uncertain significance (2). Last evaluated 2025-09-24.

Conditions:
DICER1-related tumor predisposition. Also called: DICER1-related pleuropulmonary blastoma cancer predisposition syndrome; DICER1 syndrome. Identifiers: Orphanet 284343, MedGen C3839822, MONDO:0100216.
Hereditary cancer-predisposing syndrome. Also called: Hereditary Cancer Syndrome; Neoplastic Syndromes, Hereditary; Tumor predisposition; Hereditary neoplastic syndrome. Identifiers: Orphanet 140162, MedGen C0027672, MeSH D009386, MONDO:0015356.

Submissions (2):

Labcorp Genetics (formerly Invitae), Labcorp
Classification: Uncertain significance for DICER1-related tumor predisposition. Last evaluated: 2025-09-24. Review status: criteria provided, single submitter. Criteria: Invitae Variant Classification Sherloc (09022015). Collection method: clinical testing. Allele origin: germline.
Comment: This sequence change replaces alanine, which is neutral and non-polar, with valine, which is neutral and non-polar, at codon 54 of the DICER1 protein (p.Ala54Val). This variant is not present in population databases (gnomAD no frequency). This variant has not been reported in the literature in individuals affected with DICER1-related conditions. ClinVar contains an entry for this variant (Variation ID: 639947). Invitae Evidence Modeling of protein sequence and biophysical properties (such as structural, functional, and spatial information, amino acid conservation, physicochemical variation, residue mobility, and thermodynamic stability) indicates that this missense variant is not expected to disrupt DICER1 protein function with a negative predictive value of 95%. In summary, the available evidence is currently insufficient to determine the role of this variant in disease. Therefore, it has been classified as a Variant of Uncertain Significance.

Ambry Genetics
Classification: Uncertain significance for Hereditary cancer-predisposing syndrome. Last evaluated: 2024-10-28. Review status: criteria provided, single submitter. Criteria: Ambry Variant Classification Scheme 2023. Collection method: clinical testing. Allele origin: germline.
Comment: The p.A54V variant (also known as c.161C>T), located in coding exon 2 of the DICER1 gene, results from a C to T substitution at nucleotide position 161. The alanine at codon 54 is replaced by valine, an amino acid with similar properties. This variant has been reported in 1/1120 pediatric cancer patients who underwent whole genome sequencing and/or whole exome sequencing; this/these patient(s) was/were diagnosed with acute lymphoblastic leukemia (Zhang J et al. N Engl J Med, 2015 Dec;373:2336-2346). This amino acid position is highly conserved in available vertebrate species. In addition, the in silico prediction for this alteration is inconclusive. Based on the available evidence, the clinical significance of this variant remains unclear.

Literature cited by the submitters: PubMed 26580448 (cited by Ambry Genetics).